The following is an entry in ClinVar:

NM_147127.5(EVC2):c.388T>C (p.Phe130Leu)

Gene: EVC2 (EvC ciliary complex subunit 2; minus strand). Cytogenetic location: 4p16.2.
Variant type: single nucleotide variant.
Coding change: c.388T>C on transcript NM_147127.5 (MANE Select); coding-DNA position 388, T replaced by C.
Protein change: p.Phe130Leu; replaces phenylalanine 130 with leucine.
Molecular consequence: missense variant.
Genome position (GRCh38, 1-based): chr4:5,694,397, A>G on the plus strand (T>C on the coding strand, the complement: EVC2 is on the minus strand). VCF-style: chr4-5694397-A-G. GRCh37 (hg19) VCF-style: chr4-5696124-A-G.
Other names: c.148T>C, p.Phe50Leu (NM_001166136.2); short protein forms F130L, F50L.
Identifiers: ClinVar variation 3752798 (VCV003752798.2).

ClinVar aggregate classification (germline): Uncertain significance (1 of 4 stars; one submission).

Conditions:
Curry-Hall syndrome (WAD). Also called: WEYERS ACRODENTAL DYSOSTOSIS. Identifiers: Orphanet 952, MedGen C0457013, MONDO:0008673, OMIM 193530.
Ellis-van Creveld syndrome (EVC). Also called: EVC-Related Ellis-van Creveld Syndrome; EVC2-Related Ellis-van Creveld Syndrome; MESOECTODERMAL DYSPLASIA; Chondroectodermal dysplasia. Identifiers: Orphanet 289, MedGen C0013903, MONDO:0009162, OMIM 225500.

gnomAD v4.1: 1 of 1,614,194 alleles (0.000062%); highest among the groups gnomAD compares: Non-Finnish European, 0.000085%; no homozygotes.

Submission:

Labcorp Genetics (formerly Invitae), Labcorp
Classification: Uncertain significance for Curry-Hall syndrome; Ellis-van Creveld syndrome. Last evaluated: 2025-11-24. Review status: criteria provided, single submitter. Criteria: Invitae Variant Classification Sherloc (09022015). Collection method: clinical testing. Allele origin: germline.
Comment: This sequence change replaces phenylalanine, which is neutral and non-polar, with leucine, which is neutral and non-polar, at codon 130 of the EVC2 protein (p.Phe130Leu). This variant is not present in population databases (gnomAD no frequency). This variant has not been reported in the literature in individuals affected with EVC2-related conditions. ClinVar contains an entry for this variant (Variation ID: 3752798). An algorithm developed to predict the effect of missense changes on protein structure and function outputs the following: PolyPhen-2: "Benign". The leucine amino acid residue is found in multiple mammalian species, which suggests that this missense change does not adversely affect protein function. In summary, the available evidence is currently insufficient to determine the role of this variant in disease. Therefore, it has been classified as a Variant of Uncertain Significance.